The following is an entry in ClinVar:

ClinVar aggregate classification (germline): Uncertain significance. Review status: criteria provided, multiple submitters, no conflicts (2 of 4 stars). 4 submissions from 4 submitters: Uncertain significance (4). Last evaluated 2026-05-27.

Conditions:
SCNN1G-related disorder. Also called: SCNN1G-Related Disorders; SCNN1G-related condition.
Inborn genetic diseases. Identifiers: MedGen C0950123, MeSH D030342.
Liddle syndrome 2. Identifiers: MedGen C4748251, MONDO:0020854, OMIM 618114.

gnomAD v4.1: 19 of 1,613,998 alleles (0.0012%); highest among the groups gnomAD compares: South Asian, 0.02%; no homozygotes.

Submissions (4):

PreventionGenetics, part of Exact Sciences
Classification: Uncertain significance for SCNN1G-related condition. Last evaluated: 2026-05-27. Review status: criteria provided, single submitter. Criteria: ACMG Guidelines, 2015. Collection method: clinical testing. Allele origin: germline.
Comment: The SCNN1G c.1858C>G variant is predicted to result in the amino acid substitution p.Pro620Ala. To our knowledge, this variant has not been reported in the literature. This variant is reported in 0.016% of alleles in individuals of South Asian descent in gnomAD. At this time, the clinical significance of this variant is uncertain due to the absence of conclusive functional and genetic evidence.

Ambry Genetics
Classification: Uncertain significance for Inborn genetic diseases. Last evaluated: 2025-09-10. Review status: criteria provided, single submitter. Criteria: Ambry Variant Classification Scheme 2023. Collection method: clinical testing. Allele origin: germline.

Labcorp Genetics (formerly Invitae), Labcorp
Classification: Uncertain significance. Last evaluated: 2024-02-06. Review status: criteria provided, single submitter. Criteria: Invitae Variant Classification Sherloc (09022015). Collection method: clinical testing. Allele origin: germline.
Comment: This sequence change replaces proline, which is neutral and non-polar, with alanine, which is neutral and non-polar, at codon 620 of the SCNN1G protein (p.Pro620Ala). This variant is present in population databases (rs753746795, gnomAD 0.02%). This variant has not been reported in the literature in individuals affected with SCNN1G-related conditions. An algorithm developed to predict the effect of missense changes on protein structure and function (PolyPhen-2) suggests that this variant is likely to be disruptive. In summary, the available evidence is currently insufficient to determine the role of this variant in disease. Therefore, it has been classified as a Variant of Uncertain Significance.

Neuberg Centre For Genomic Medicine, NCGM
Classification: Uncertain significance for Liddle syndrome 2. Last evaluated: 2023-06-02. Review status: criteria provided, single submitter. Criteria: ACMG Guidelines, 2015. Collection method: clinical testing. Allele origin: germline. Inheritance: Autosomal dominant inheritance. Affected: yes.
Comment: The observed missense variant c.1858C>G(p.Pro620Ala) in the SCNN1G gene has not been reported previously as a pathogenic variant nor as a benign variant, to our knowledge. This variant is reported with the allele frequency 0.002% in the gnomAD Exomes. The amino acid Pro at position 620 is changed to a Ala changing protein sequence and it might alter its composition and physico-chemical properties. Multiple lines of computational evidence (Polyphen - Damaging, SIFT - Damaging and MutationTaster - Disease causing) predict a damaging effect on protein structure and function for this variant. The residue is conserved by GERP++ and PhyloP across 100 vertebrates. For these reasons, this variant has been classified as Uncertain Significance.

NM_001039.4(SCNN1G):c.1858C>G (p.Pro620Ala)

Gene: SCNN1G (sodium channel epithelial 1 subunit gamma; plus strand). Cytogenetic location: 16p12.2.
Variant type: single nucleotide variant.
Coding change: c.1858C>G on transcript NM_001039.4 (MANE Select); coding-DNA position 1858, C replaced by G.
Protein change: p.Pro620Ala; replaces proline 620 with alanine.
Molecular consequence: missense variant.
Genome position (GRCh38, 1-based): chr16:23,215,377, C>G. VCF-style: chr16-23215377-C-G. GRCh37 (hg19) VCF-style: chr16-23226698-C-G.
Other names: c.1858C>G (NM_001039.3); short protein forms P620A.
Identifiers: ClinVar variation 3362326 (VCV003362326.7).